The following is an entry in ClinVar:

ClinVar aggregate classification (germline): Uncertain significance (1 of 4 stars; one submission).

Conditions:
Pfeiffer syndrome (ACS5). Also called: ACS V. Identifiers: Orphanet 710, MedGen C0220658, MONDO:0007043, OMIM 101600.
Hypogonadotropic hypogonadism 2 with or without anosmia (HH2). Also called: HYPOGONADOTROPIC HYPOGONADISM 2 WITH OR WITHOUT ANOSMIA, SUSCEPTIBILITY TO; HYPOGONADOTROPIC HYPOGONADISM 2 WITHOUT ANOSMIA, SUSCEPTIBILITY TO; HYPOGONADOTROPIC HYPOGONADISM 2 WITHOUT ANOSMIA; FGFR1-Related GnRH Deficiency (Kallmann Syndrome 2). Identifiers: Orphanet 478, MedGen C1563720, MONDO:0007844, OMIM 147950. Disease mechanism: loss of function.

Allele frequency attached by ClinVar (database versions not stated): gnomAD exomes below 0.00001.
gnomAD v4.1: 1 of 1,614,178 alleles (0.000062%); highest among the groups gnomAD compares: East Asian, 0.0022%; no homozygotes.

Submission:

Labcorp Genetics (formerly Invitae), Labcorp
Classification: Uncertain significance for Pfeiffer syndrome; Hypogonadotropic hypogonadism 2 with or without anosmia. Last evaluated: 2022-03-17. Review status: criteria provided, single submitter. Criteria: Invitae Variant Classification Sherloc (09022015). Collection method: clinical testing. Allele origin: germline.
Comment: Algorithms developed to predict the effect of missense changes on protein structure and function are either unavailable or do not agree on the potential impact of this missense change (SIFT: "Tolerated"; PolyPhen-2: "Probably Damaging"; Align-GVGD: "Class C0"). This variant has not been reported in the literature in individuals affected with FGFR1-related conditions. This variant is present in population databases (no rsID available, gnomAD 0.006%). This sequence change replaces lysine, which is basic and polar, with arginine, which is basic and polar, at codon 419 of the FGFR1 protein (p.Lys419Arg). In summary, the available evidence is currently insufficient to determine the role of this variant in disease. Therefore, it has been classified as a Variant of Uncertain Significance.

NM_023110.3(FGFR1):c.1256A>G (p.Lys419Arg)

Gene: FGFR1 (fibroblast growth factor receptor 1; minus strand). Cytogenetic location: 8p11.23.
Variant type: single nucleotide variant.
Coding change: c.1256A>G on transcript NM_023110.3 (MANE Select); coding-DNA position 1256, A replaced by G.
Protein change: p.Lys419Arg; replaces lysine 419 with arginine.
Molecular consequence: missense variant.
Genome position (GRCh38, 1-based): chr8:38,419,561, T>C on the plus strand (A>G on the coding strand, the complement: FGFR1 is on the minus strand). VCF-style: chr8-38419561-T-C. GRCh37 (hg19) VCF-style: chr8-38277079-T-C.
Other names: c.1256A>G, p.Lys419Arg (NM_001174063.2); c.1232A>G, p.Lys411Arg (NM_001174064.2); c.1250A>G, p.Lys417Arg (NM_001174065.2, NM_001354367.2, NM_001354369.2 and 1 more transcripts); c.989A>G, p.Lys330Arg (NM_001174066.2, NM_023105.3); c.1349A>G, p.Lys450Arg (NM_001174067.2); c.983A>G, p.Lys328Arg (NM_001354368.2, NM_001354370.2, NM_023106.3); short protein forms K411R, K328R, K417R, K419R, K330R, K450R.
Identifiers: ClinVar variation 1376048 (VCV001376048.6), dbSNP rs1232639613, ClinGen allele CA370733602.